The following is an entry in ClinVar:

ClinVar aggregate classification (germline): Uncertain significance (1 of 4 stars; one submission).

Conditions:
Hereditary cancer-predisposing syndrome. Also called: Tumor predisposition; Hereditary neoplastic syndrome; Hereditary Cancer Syndrome; Neoplastic Syndromes, Hereditary. Identifiers: Orphanet 140162, MedGen C0027672, MeSH D009386, MONDO:0015356.

Submission:

Ambry Genetics
Classification: Uncertain significance for Hereditary cancer-predisposing syndrome. Last evaluated: 2025-05-21. Review status: criteria provided, single submitter. Criteria: Ambry Variant Classification Scheme 2023. Collection method: clinical testing. Allele origin: germline.
Comment: The p.G43E variant (also known as c.128G>A), located in coding exon 3 of the SMARCE1 gene, results from a G to A substitution at nucleotide position 128. The glycine at codon 43 is replaced by glutamic acid, an amino acid with similar properties. This amino acid position is highly conserved in available vertebrate species. In addition, the in silico prediction for this alteration is inconclusive. Based on the available evidence, the clinical significance of this variant remains unclear.

NM_003079.5(SMARCE1):c.128G>A (p.Gly43Glu)

Gene: SMARCE1 (SWI/SNF related BAF chromatin remodeling complex subunit E1; minus strand). Cytogenetic location: 17q21.2.
Variant type: single nucleotide variant.
Coding change: c.128G>A on transcript NM_003079.5 (MANE Select); coding-DNA position 128, G replaced by A.
Protein change: p.Gly43Glu; replaces glycine 43 with glutamic acid.
Molecular consequence: missense variant.
Genome position (GRCh38, 1-based): chr17:40,642,483, C>T on the plus strand (G>A on the coding strand, the complement: SMARCE1 is on the minus strand). VCF-style: chr17-40642483-C-T. GRCh37 (hg19) VCF-style: chr17-38798735-C-T.
Other names: short protein forms G43E.
Identifiers: ClinVar variation 3958599 (VCV003958599.1).